The following is an entry in ClinVar:

ClinVar aggregate classification (germline): Uncertain significance (1 of 4 stars; one submission).

gnomAD v4.1: 5 of 1,613,954 alleles (0.00031%); highest among the groups gnomAD compares: Admixed American, 0.005%; no homozygotes.

Submission:

Dasa
Classification: Uncertain significance. Last evaluated: 2025-11-27. Review status: criteria provided, single submitter. Criteria: DASA Assertion Criteria. Collection method: clinical testing. Allele origin: germline.
Comment: NM_001429.4(EP300):c.1660G>T (p.Gly554Cys) is a missense variant that results in the substitution of glycine with cysteine. This variant is rare in population databases. The currently available literature and clinical evidence are not sufficient to establish a definitive association between this variant and the reported condition. Therefore, this variant is classified as a variant of uncertain significance.

NM_001429.4(EP300):c.1660G>T (p.Gly554Cys)

Gene: EP300 (EP300 lysine acetyltransferase; plus strand). Cytogenetic location: 22q13.2.
Variant type: single nucleotide variant.
Coding change: c.1660G>T on transcript NM_001429.4 (MANE Select); coding-DNA position 1660, G replaced by T.
Protein change: p.Gly554Cys; replaces glycine 554 with cysteine.
Molecular consequence: missense variant.
Genome position (GRCh38, 1-based): chr22:41,137,690, G>T. VCF-style: chr22-41137690-G-T. GRCh37 (hg19) VCF-style: chr22-41533694-G-T.
Other names: c.1660G>T, p.Gly554Cys (NM_001362843.2); short protein forms G554C.
Identifiers: ClinVar variation 4883787 (VCV004883787.2).